The following is an entry in ClinVar:

NC_000015.9:g.(?_33300195)_(33300296_?)dup

Gene: FMN1 (formin 1; minus strand). Cytogenetic location: 15q13.3.
Variant type: Duplication.
Identifiers: ClinVar variation 1431934 (VCV001431934.4).

ClinVar aggregate classification (germline): Uncertain significance (1 of 4 stars; one submission).

Submission:

Labcorp Genetics (formerly Invitae), Labcorp
Classification: Uncertain significance. Last evaluated: 2023-08-28. Review status: criteria provided, single submitter. Criteria: Invitae Variant Classification Sherloc (09022015). Collection method: clinical testing. Allele origin: germline.
Comment: In summary, the available evidence is currently insufficient to determine the role of this variant in disease. Therefore, it has been classified as a Variant of Uncertain Significance. This variant has not been reported in the literature in individuals affected with FMN1-related conditions. This variant results in a copy number gain of the genomic region encompassing exon(s) 3 of the FMN1 gene. While the exact position of this variant cannot be determined from the data, sub-genic copy number gains are generally in tandem (PMID: 25640679). This variant is predicted to be out-of-frame, and may result in an absent or disrupted protein product. However, the current clinical and genetic evidence is not sufficient to establish whether loss-of-function variants in FMN1 cause disease.

Literature cited by the submitters: PubMed 25640679.